The following is an entry in ClinVar:

ClinVar aggregate classification (germline): Likely pathogenic (1 of 4 stars; one submission).

Conditions:
Fanconi anemia (FA). Also called: Fanconi's anemia. Identifiers: Orphanet 84, MedGen C0015625, MeSH D005199, MONDO:0019391.

Allele frequency attached by ClinVar (database versions not stated): gnomAD exomes below 0.00001.
gnomAD v4.1: 1 of 1,612,840 alleles (0.000062%); highest among the groups gnomAD compares: South Asian, 0.0011%; no homozygotes.

Submission:

Labcorp Genetics (formerly Invitae), Labcorp
Classification: Likely pathogenic for Fanconi anemia. Last evaluated: 2023-09-21. Review status: criteria provided, single submitter. Criteria: Invitae Variant Classification Sherloc (09022015). Collection method: clinical testing. Allele origin: germline.
Comment: This variant is not present in population databases (gnomAD no frequency). This sequence change creates a premature translational stop signal (p.Gln350*) in the FANCL gene. While this is not anticipated to result in nonsense mediated decay, it is expected to disrupt the last 26 amino acid(s) of the FANCL protein. This variant has not been reported in the literature in individuals affected with FANCL-related conditions. In summary, the currently available evidence indicates that the variant is pathogenic, but additional data are needed to prove that conclusively. Therefore, this variant has been classified as Likely Pathogenic. This variant disrupts the PHD/RING finger domain of the FANCL protein, which is necessary for FANCL interaction with Ube2t and Ube2w, and subsequent monoubiquitination of FANCD2 (PMID: 12973351, 17938197, 19111657, 24389026, 26149689). While functional studies have not been performed to directly test the effect of this variant on FANCL protein function, this suggests that disruption of this region of the protein is causative of disease. Algorithms developed to predict the effect of sequence changes on RNA splicing suggest that this variant may disrupt the consensus splice site.

Literature cited by the submitters: PubMed 12973351; PubMed 17938197; PubMed 19111657; PubMed 24389026; PubMed 26149689.

NM_018062.4(FANCL):c.1048C>T (p.Gln350Ter)

Gene: FANCL (FA complementation group L; minus strand). Cytogenetic location: 2p16.1.
Variant type: single nucleotide variant.
Coding change: c.1048C>T on transcript NM_018062.4 (MANE Select); coding-DNA position 1048, C replaced by T.
Protein change: p.Gln350Ter; replaces glutamine 350 with a stop codon.
Molecular consequence: nonsense.
Genome position (GRCh38, 1-based): chr2:58,160,152, G>A on the plus strand (C>T on the coding strand, the complement: FANCL is on the minus strand). VCF-style: chr2-58160152-G-A. GRCh37 (hg19) VCF-style: chr2-58387287-G-A.
Other names: c.1063C>T, p.Gln355Ter (NM_001114636.2); c.1093C>T, p.Gln365Ter (NM_001374615.1); c.1108C>T, p.Gln370Ter (NM_001410792.1); short protein forms Q355*, Q370*, Q365*, Q350*.
Identifiers: ClinVar variation 2762387 (VCV002762387.3), dbSNP rs2466548605, ClinGen allele CA346931206.